The following is an entry in ClinVar:

NM_002156.5(HSPD1):c.1661A>T (p.Lys554Met)

Gene: HSPD1 (heat shock protein family D (Hsp60) member 1; minus strand). Cytogenetic location: 2q33.1.
Variant type: single nucleotide variant.
Coding change: c.1661A>T on transcript NM_002156.5 (MANE Select); coding-DNA position 1661, A replaced by T.
Protein change: p.Lys554Met; replaces lysine 554 with methionine.
Molecular consequence: missense variant.
Genome position (GRCh38, 1-based): chr2:197,487,107, T>A on the plus strand (A>T on the coding strand, the complement: HSPD1 is on the minus strand). VCF-style: chr2-197487107-T-A. GRCh37 (hg19) VCF-style: chr2-198351831-T-A.
Other names: c.1661A>T, p.Lys554Met (NM_199440.2); short protein forms K554M.
Identifiers: ClinVar variation 2909180 (VCV002909180.3), dbSNP rs544458991, ClinGen allele CA350197375.
Genomic context (GRCh38, chr2:197,487,107, plus strand): 5'-TAGAACATGCCACCTCCCATACCACCTCCCATTCCACCCATTGCACCCATTCCAGGGTCC[T>A]TCTCTTCTTTAGGAATTTCTGTGACTACAACTTCTGCTGTAGTTAACAGAGAGGCCACAC-3'
Protein context (NP_002147.2, residues 544-564): VVVTEIPKEE[Lys554Met]DPGMGAMGGM

ClinVar aggregate classification (germline): Uncertain significance (1 of 4 stars; one submission).

Conditions:
Spastic paraplegia. Identifiers: MedGen C0037772, HP:0001258.

Submission:

Labcorp Genetics (formerly Invitae), Labcorp
Classification: Uncertain significance for Spastic paraplegia. Last evaluated: 2024-10-28. Review status: criteria provided, single submitter. Criteria: Invitae Variant Classification Sherloc (09022015). Collection method: clinical testing. Allele origin: germline.
Comment: This sequence change replaces lysine, which is basic and polar, with methionine, which is neutral and non-polar, at codon 554 of the HSPD1 protein (p.Lys554Met). This variant is not present in population databases (gnomAD no frequency). This variant has not been reported in the literature in individuals affected with HSPD1-related conditions. Invitae Evidence Modeling of protein sequence and biophysical properties (such as structural, functional, and spatial information, amino acid conservation, physicochemical variation, residue mobility, and thermodynamic stability) indicates that this missense variant is not expected to disrupt HSPD1 protein function with a negative predictive value of 80%. In summary, the available evidence is currently insufficient to determine the role of this variant in disease. Therefore, it has been classified as a Variant of Uncertain Significance.